The following is an entry in ClinVar:

NM_021954.4(GJA3):c.140A>T (p.Asp47Val)

Gene: GJA3 (gap junction protein alpha 3; minus strand). Cytogenetic location: 13q12.11.
Variant type: single nucleotide variant.
Coding change: c.140A>T on transcript NM_021954.4 (MANE Select); coding-DNA position 140, A replaced by T.
Protein change: p.Asp47Val; replaces aspartic acid 47 with valine.
Molecular consequence: missense variant.
Genome position (GRCh38, 1-based): chr13:20,143,149, T>A on the plus strand (A>T on the coding strand, the complement: GJA3 is on the minus strand). VCF-style: chr13-20143149-T-A. GRCh37 (hg19) VCF-style: chr13-20717288-T-A.
Other names: short protein forms D47V.
Identifiers: ClinVar variation 5001234 (VCV005001234.1).

ClinVar aggregate classification (germline): Uncertain significance (1 of 4 stars; one submission).

Conditions:
GJA3-related disorder. Also called: GJA3-related condition.

Submission:

PreventionGenetics, part of Exact Sciences
Classification: Uncertain significance for GJA3-related condition. Last evaluated: 2025-04-26. Review status: criteria provided, single submitter. Criteria: ACMG Guidelines, 2015. Collection method: clinical testing. Allele origin: germline.
Comment: The GJA3 c.140A>T variant is predicted to result in the amino acid substitution p.Asp47Val. To our knowledge, this variant has not been reported in the literature or in a large population database (gnomAD), indicating this variant is rare. Another variant affecting the same amino acid (p.Asp47Asn) has been reported in an individual with congenital cataract (Yang. 2011. PubMed ID: 21552498). At this time, the clinical significance of this variant is uncertain due to the absence of conclusive functional and genetic evidence.